The following is an entry in ClinVar:

NM_018896.5(CACNA1G):c.3430G>A (p.Glu1144Lys)

Gene: CACNA1G (calcium voltage-gated channel subunit alpha1 G; plus strand). Cytogenetic location: 17q21.33.
Variant type: single nucleotide variant.
Coding change: c.3430G>A on transcript NM_018896.5 (MANE Select); coding-DNA position 3430, G replaced by A.
Protein change: p.Glu1144Lys; replaces glutamic acid 1144 with lysine.
Molecular consequence: missense variant. On other transcripts: non-coding transcript variant (5).
Genome position (GRCh38, 1-based): chr17:50,599,599, G>A. VCF-style: chr17-50599599-G-A. GRCh37 (hg19) VCF-style: chr17-48676960-G-A.
Other names: c.3430G>A, p.Glu1144Lys (NM_001256324.2, NM_001256325.2, NM_001256326.2 and 16 more transcripts); c.3361G>A, p.Glu1121Lys (NM_001256332.2, NM_198376.3, NM_198379.3 and 5 more transcripts); c.3430G>A (NM_018896.3); short protein forms E1121K, E1144K.
Identifiers: ClinVar variation 2955737 (VCV002955737.5), dbSNP rs773526768, ClinGen allele CA8652719.

ClinVar aggregate classification (germline): Conflicting classifications of pathogenicity. Review status: criteria provided, conflicting classifications (1 of 4 stars). 3 submissions from 3 submitters: Uncertain significance (2); Likely benign (1). Last evaluated 2025-05-28.

Conditions:
Inborn genetic diseases. Identifiers: MedGen C0950123, MeSH D030342.

Allele frequency attached by ClinVar (database versions not stated): ExAC 0.00003; TOPMed 0.00003; gnomAD 0.00004; gnomAD exomes 0.00007.
gnomAD v4.1: 108 of 1,613,182 alleles (0.0067%); highest among the groups gnomAD compares: Non-Finnish European, 0.0085%; no homozygotes.

Submissions (3):

Women's Health and Genetics/Laboratory Corporation of America, LabCorp
Classification: Uncertain significance. Last evaluated: 2025-05-28. Review status: criteria provided, single submitter. Criteria: LabCorp Variant Classification Summary - May 2015. Collection method: clinical testing. Allele origin: germline.
Comment: Variant summary: CACNA1G c.3430G>A (p.Glu1144Lys) results in a conservative amino acid change in the encoded protein sequence. Algorithms developed to predict the effect of missense changes on protein structure and function are either unavailable or do not agree on the potential impact of this missense change. The variant allele was found at a frequency of 2.4e-05 in 245962 control chromosomes. The available data on variant occurrences in the general population are insufficient to allow any conclusion about variant significance. To our knowledge, no occurrence of c.3430G>A in individuals affected with Spinocerebellar Ataxia Type 42 and no experimental evidence demonstrating its impact on protein function have been reported. ClinVar contains an entry for this variant (Variation ID: 2955737). Based on the evidence outlined above, the variant was classified as uncertain significance.

Ambry Genetics
Classification: Uncertain significance for Inborn genetic diseases. Last evaluated: 2023-12-17. Review status: criteria provided, single submitter. Criteria: Ambry Variant Classification Scheme 2023. Collection method: clinical testing. Allele origin: germline.

Labcorp Genetics (formerly Invitae), Labcorp
Classification: Likely benign. Last evaluated: 2023-07-11. Review status: criteria provided, single submitter. Criteria: Invitae Variant Classification Sherloc (09022015). Collection method: clinical testing. Allele origin: germline.